The following is an entry in ClinVar:

NM_001267550.2(TTN):c.102940G>C (p.Gly34314Arg)

Genes: TTN-AS1 (TTN antisense RNA 1; plus strand), TTN (titin; minus strand). Cytogenetic location: 2q31.2.
Variant type: single nucleotide variant.
Coding change: c.102940G>C on transcript NM_001267550.2 (MANE Select); coding-DNA position 102940, G replaced by C.
Protein change: p.Gly34314Arg; replaces glycine 34314 with arginine.
Molecular consequence: missense variant.
Genome position (GRCh38, 1-based): chr2:178,533,675, C>G on the plus strand (G>C on the coding strand, the complement: TTN is on the minus strand). VCF-style: chr2-178533675-C-G. GRCh37 (hg19) VCF-style: chr2-179398402-C-G.
Other names: c.98017G>C, p.Gly32673Arg (NM_001256850.1); c.75745G>C, p.Gly25249Arg (NM_003319.4); c.95236G>C, p.Gly31746Arg (NM_133378.4); c.76120G>C, p.Gly25374Arg (NM_133432.3); c.76321G>C, p.Gly25441Arg (NM_133437.4); short protein forms G25249R, G25374R, G25441R, G31746R, G32673R, G34314R.
Identifiers: ClinVar variation 1013796 (VCV001013796.9), dbSNP rs772007737, ClinGen allele CA1985680.

ClinVar aggregate classification (germline): Uncertain significance (1 of 4 stars; one submission).

Conditions:
Dilated cardiomyopathy 1G (CMD1G). Identifiers: Orphanet 154, MedGen C1858763, MONDO:0011400, OMIM 604145.
Autosomal recessive limb-girdle muscular dystrophy type 2J (LGMDR10). Also called: Limb-girdle muscular dystrophy, type 2J; MUSCULAR DYSTROPHY, LIMB-GIRDLE, AUTOSOMAL RECESSIVE 10. Identifiers: Orphanet 140922, MedGen C1837342, MONDO:0012127, OMIM 608807.

Allele frequency attached by ClinVar (database versions not stated): gnomAD exomes 0.00001; TOPMed 0.00001; ExAC 0.00002.

Submission:

Labcorp Genetics (formerly Invitae), Labcorp
Classification: Uncertain significance for Dilated cardiomyopathy 1G; Autosomal recessive limb-girdle muscular dystrophy type 2J. Last evaluated: 2025-04-23. Review status: criteria provided, single submitter. Criteria: Invitae Variant Classification Sherloc (09022015). Collection method: clinical testing. Allele origin: germline.
Comment: This sequence change replaces glycine, which is neutral and non-polar, with arginine, which is basic and polar, at codon 34314 of the TTN protein (p.Gly34314Arg). This variant is present in population databases (rs772007737, gnomAD 0.004%). This variant has not been reported in the literature in individuals affected with TTN-related conditions. ClinVar contains an entry for this variant (Variation ID: 1013796). Experimental studies and prediction algorithms are not available or were not evaluated, and the functional significance of this variant is currently unknown. This variant is located in the M band of TTN (PMID: 25589632). Non-truncating variants in this region may be relevant for neuromuscular disorders, but have not been definitively shown to cause cardiomyopathy (PMID: 23975875). In summary, the available evidence is currently insufficient to determine the role of this variant in disease. Therefore, it has been classified as a Variant of Uncertain Significance.

Literature cited by the submitters: PubMed 25589632; PubMed 23975875.